The following is an entry in ClinVar:

ClinVar aggregate classification (germline): Uncertain significance. Review status: criteria provided, multiple submitters, no conflicts (2 of 4 stars). 2 submissions from 2 submitters: Uncertain significance (2). Last evaluated 2024-05-13.

Allele frequency attached by ClinVar (database versions not stated): ExAC 0.00007; TOPMed 0.00002; gnomAD 0.00001; gnomAD exomes 0.00002.
gnomAD v4.1: 34 of 1,613,444 alleles (0.0021%); highest among the groups gnomAD compares: East Asian, 0.056%; no homozygotes.

Submissions (2):

Labcorp Genetics (formerly Invitae), Labcorp
Classification: Uncertain significance. Last evaluated: 2024-05-13. Review status: criteria provided, single submitter. Criteria: Invitae Variant Classification Sherloc (09022015). Collection method: clinical testing. Allele origin: germline.
Comment: This sequence change replaces alanine, which is neutral and non-polar, with valine, which is neutral and non-polar, at codon 62 of the ITM2B protein (p.Ala62Val). This variant is present in population databases (rs764604146, gnomAD 0.06%). This missense change has been observed in individual(s) with early-onset Alzheimer’s disease (PMID: 31217084). ClinVar contains an entry for this variant (Variation ID: 2065263). Advanced modeling of protein sequence and biophysical properties (such as structural, functional, and spatial information, amino acid conservation, physicochemical variation, residue mobility, and thermodynamic stability) performed at Invitae indicates that this missense variant is not expected to disrupt ITM2B protein function with a negative predictive value of 80%. In summary, the available evidence is currently insufficient to determine the role of this variant in disease. Therefore, it has been classified as a Variant of Uncertain Significance.

Clinical Genetics Laboratory, Skane University Hospital Lund
Classification: Uncertain significance. Last evaluated: 2022-11-14. Review status: criteria provided, single submitter. Criteria: ACMG Guidelines, 2015. Collection method: clinical testing. Allele origin: germline. Affected: yes.

Literature cited by the submitters: PubMed 31217084 (cited by Labcorp Genetics (formerly Invitae), Labcorp).

NM_021999.5(ITM2B):c.185C>T (p.Ala62Val)

Gene: ITM2B (integral membrane protein 2B; plus strand). Cytogenetic location: 13q14.2.
Variant type: single nucleotide variant.
Coding change: c.185C>T on transcript NM_021999.5 (MANE Select); coding-DNA position 185, C replaced by T.
Protein change: p.Ala62Val; replaces alanine 62 with valine.
Molecular consequence: missense variant.
Genome position (GRCh38, 1-based): chr13:48,253,875, C>T. VCF-style: chr13-48253875-C-T. GRCh37 (hg19) VCF-style: chr13-48828011-C-T.
Other names: short protein forms A62V.
Identifiers: ClinVar variation 2065263 (VCV002065263.5), dbSNP rs764604146, ClinGen allele CA6978714.